The following is an entry in ClinVar:

NM_032383.5(HPS3):c.746A>G (p.Asp249Gly)

Gene: HPS3 (HPS3 biogenesis of lysosomal organelles complex 2 subunit 1; plus strand). Cytogenetic location: 3q24.
Variant type: single nucleotide variant.
Coding change: c.746A>G on transcript NM_032383.5 (MANE Select); coding-DNA position 746, A replaced by G.
Protein change: p.Asp249Gly; replaces aspartic acid 249 with glycine.
Molecular consequence: missense variant.
Genome position (GRCh38, 1-based): chr3:149,141,050, A>G. VCF-style: chr3-149141050-A-G. GRCh37 (hg19) VCF-style: chr3-148858837-A-G.
Other names: c.251A>G, p.Asp84Gly (NM_001308258.2); short protein forms D84G, D249G.
Identifiers: ClinVar variation 1488234 (VCV001488234.5), dbSNP rs781494097, ClinGen allele CA2659878.

ClinVar aggregate classification (germline): Uncertain significance (1 of 4 stars; one submission).

Allele frequency attached by ClinVar (database versions not stated): gnomAD exomes below 0.00001 and 0.00001; TOPMed below 0.00001; ExAC 0.00001.
gnomAD v4.1: 3 of 1,614,076 alleles (0.00019%); highest among the groups gnomAD compares: Non-Finnish European, 0.00017%; no homozygotes.

Submission:

Labcorp Genetics (formerly Invitae), Labcorp
Classification: Uncertain significance. Last evaluated: 2022-10-14. Review status: criteria provided, single submitter. Criteria: Invitae Variant Classification Sherloc (09022015). Collection method: clinical testing. Allele origin: germline.
Comment: This sequence change replaces aspartic acid, which is acidic and polar, with glycine, which is neutral and non-polar, at codon 249 of the HPS3 protein (p.Asp249Gly). This variant is present in population databases (rs781494097, gnomAD 0.0009%). This variant has not been reported in the literature in individuals affected with HPS3-related conditions. ClinVar contains an entry for this variant (Variation ID: 1488234). Advanced modeling of protein sequence and biophysical properties (such as structural, functional, and spatial information, amino acid conservation, physicochemical variation, residue mobility, and thermodynamic stability) performed at Invitae indicates that this missense variant is expected to disrupt HPS3 protein function. In summary, the available evidence is currently insufficient to determine the role of this variant in disease. Therefore, it has been classified as a Variant of Uncertain Significance.